The following is an entry in ClinVar:

NM_173648.4(CCDC141):c.646A>G (p.Ser216Gly)

Gene: CCDC141 (coiled-coil domain containing 141; minus strand). Cytogenetic location: 2q31.2.
Variant type: single nucleotide variant.
Coding change: c.646A>G on transcript NM_173648.4 (MANE Select); coding-DNA position 646, A replaced by G.
Protein change: p.Ser216Gly; replaces serine 216 with glycine.
Molecular consequence: missense variant.
Genome position (GRCh38, 1-based): chr2:178,961,364, T>C on the plus strand (A>G on the coding strand, the complement: CCDC141 is on the minus strand). VCF-style: chr2-178961364-T-C. GRCh37 (hg19) VCF-style: chr2-179826091-T-C.
Other names: c.646A>G, p.Ser216Gly (NM_001316745.2); short protein forms S216G.
Identifiers: ClinVar variation 1389187 (VCV001389187.6), dbSNP rs1330380061, ClinGen allele CA349712886.

ClinVar aggregate classification (germline): Uncertain significance (1 of 4 stars; one submission).

Allele frequency attached by ClinVar (database versions not stated): gnomAD exomes below 0.00001 and 0.00001.
gnomAD v4.1: 1 of 1,550,662 alleles (0.000064%); highest among the groups gnomAD compares: Admixed American, 0.002%; no homozygotes.

Submission:

Labcorp Genetics (formerly Invitae), Labcorp
Classification: Uncertain significance. Last evaluated: 2022-09-07. Review status: criteria provided, single submitter. Criteria: Invitae Variant Classification Sherloc (09022015). Collection method: clinical testing. Allele origin: germline.
Comment: This sequence change replaces serine, which is neutral and polar, with glycine, which is neutral and non-polar, at codon 216 of the CCDC141 protein (p.Ser216Gly). This variant is present in population databases (no rsID available, gnomAD 0.004%). This variant has not been reported in the literature in individuals affected with CCDC141-related conditions. ClinVar contains an entry for this variant (Variation ID: 1389187). Algorithms developed to predict the effect of missense changes on protein structure and function are either unavailable or do not agree on the potential impact of this missense change (SIFT: "Deleterious"; PolyPhen-2: "Probably Damaging"; Align-GVGD: "Class C0"). In summary, the available evidence is currently insufficient to determine the role of this variant in disease. Therefore, it has been classified as a Variant of Uncertain Significance.